The following is an entry in ClinVar:

NM_015978.3(TNNI3K):c.635del (p.Phe212fs)

Genes: FPGT-TNNI3K (FPGT-TNNI3K readthrough; plus strand), TNNI3K (TNNI3 interacting kinase; plus strand). Cytogenetic location: 1p31.1.
Variant type: Deletion.
Coding change: c.635del on transcript NM_015978.3 (MANE Select); coding-DNA position 635, one base deleted (T; older notation c.635delT).
Protein change: p.Phe212fs; shifts the reading frame from phenylalanine 212.
Molecular consequence: frameshift variant.
Genome position (GRCh38, 1-based): chr1:74,336,102, T deleted; the last of 2 consecutive T bases (chr1:74,336,101-74,336,102); deleting either gives the same sequence. VCF-style (leftmost placement, unchanged base first): chr1-74336100-AT-A. GRCh37 (hg19) VCF-style: chr1-74801784-AT-A.
Other names: c.938del, p.Phe313fs (NM_001112808.3, NM_001199327.2); short protein forms F313fs, F212fs.
Identifiers: ClinVar variation 2758572 (VCV002758572.3), dbSNP rs2524333100, ClinGen allele CA2697552474.

ClinVar aggregate classification (germline): Uncertain significance (1 of 4 stars; one submission).

Submission:

Labcorp Genetics (formerly Invitae), Labcorp
Classification: Uncertain significance. Last evaluated: 2023-09-07. Review status: criteria provided, single submitter. Criteria: Invitae Variant Classification Sherloc (09022015). Collection method: clinical testing. Allele origin: germline.
Comment: This sequence change creates a premature translational stop signal (p.Phe212Serfs*2) in the TNNI3K gene. It is expected to result in an absent or disrupted protein product. However, the current clinical and genetic evidence is not sufficient to establish whether loss-of-function variants in TNNI3K cause disease. This variant is not present in population databases (gnomAD no frequency). This variant has not been reported in the literature in individuals affected with TNNI3K-related conditions. In summary, the available evidence is currently insufficient to determine the role of this variant in disease. Therefore, it has been classified as a Variant of Uncertain Significance.